The following is an entry in ClinVar:

NM_000231.3(SGCG):c.174_175insTTTTTTTTTTTTTTTTTTNNNNNNNNNNTTGTTAGCCAGGATGGTCTCGATCTCCTGACCTCATGATCCACCCGCCTCGGCCTCCCAAAGTGCTGGGATTACAGGCGTGAGCCACCGCGCCCGGCCACAATTTGGATTCTT (p.Lys59delinsPhePhePhePhePhePheXaaXaaXaaXaaValSerGlnAspGlyLeuAspLeuLeuThrSerTer)

Gene: SGCG (sarcoglycan gamma; plus strand). Cytogenetic location: 13q12.12.
Variant type: Insertion.
Coding change: c.174_175insTTTTTTTTTTTTTTTTTTNNNNNNNNNNTTGTTAGCCAGGATGGTCTCGATCTCCTGACCTCATGATCCACCCGCCTCGGCCTCCCAAAGTGCTGGGATTACAGGCGTGAGCCACCGCGCCCGGCCACAATTTGGATTCTT on transcript NM_000231.3 (MANE Select); coding-DNA positions 174 to 175, TTTTTTTTTTTTTTTTTTNNNNNNNNNNTTGTTAGCCAGGATGGTCTCGATCTCCTGACCTCATGATCCACCCGCCTCGGCCTCCCAAAGTGCTGGGATTACAGGCGTGAGCCACCGCGCCCGGCCACAATTTGGATTCTT inserted.
Protein change: p.Lys59delinsPhePhePhePhePhePheXaaXaaXaaXaaValSerGlnAspGlyLeuAspLeuLeuThrSerTer.
Molecular consequence: nonsense.
Genome position: GRCh38: chr13:23,203,868-23,203,869. GRCh37 (hg19): chr13:23,778,007-23,778,008.
Other names: c.228_229insTTTTTTTTTTTTTTTTTTNNNNNNNNNNTTGTTAGCCAGGATGGTCTCGATCTCCTGACCTCATGATCCACCCGCCTCGGCCTCCCAAAGTGCTGGGATTACAGGCGTGAGCCACCGCGCCCGGCCACAATTTGGATTCTT, p.Lys77delinsPhePhePhePhePhePheXaaXaaXaaXaaValSerGlnAspGlyLeuAspLeuLeuThrSerTer (NM_001378244.1); c.174_175insTTTTTTTTTTTTTTTTTTNNNNNNNNNNTTGTTAGCCAGGATGGTCTCGATCTCCTGACCTCATGATCCACCCGCCTCGGCCTCCCAAAGTGCTGGGATTACAGGCGTGAGCCACCGCGCCCGGCCACAATTTGGATTCTT, p.Lys59delinsPhePhePhePhePhePheXaaXaaXaaXaaValSerGlnAspGlyLeuAspLeuLeuThrSerTer (NM_001378245.1, NM_001378246.1).
Identifiers: ClinVar variation 1366500 (VCV001366500.6), dbSNP rs2137501542.

ClinVar aggregate classification (germline): Pathogenic (1 of 4 stars; one submission).

Conditions:
Autosomal recessive limb-girdle muscular dystrophy type 2C (LGMDR5). Also called: MUSCULAR DYSTROPHY, DUCHENNE-LIKE; MUSCULAR DYSTROPHY, LIMB-GIRDLE, AUTOSOMAL RECESSIVE 5. Identifiers: Orphanet 353, MedGen C0410173, MONDO:0009677, OMIM 253700. Disease mechanism: Affects gamma-sarcoglycan and also disrupts the integrity of the entire sarcoglycan complex..

Submission:

Labcorp Genetics (formerly Invitae), Labcorp
Classification: Pathogenic for Autosomal recessive limb-girdle muscular dystrophy type 2C. Last evaluated: 2022-08-19. Review status: criteria provided, single submitter. Criteria: Invitae Variant Classification Sherloc (09022015). Collection method: clinical testing. Allele origin: germline.
Comment: ClinVar contains an entry for this variant (Variation ID: 1366500). Algorithms developed to predict the effect of sequence changes on RNA splicing suggest that this variant may disrupt the consensus splice site. Retrotransposon insertions including LINE1 (L1), Alu, and SVA (SINE-VNTR-Alu) have been reported to be disease-causing through disruption of either a coding region or splice site (PMID: 19763152, 20307669, 22406018) and loss-of-function variants in SGCG are known to be pathogenic (PMID: 18285821). For these reasons, this variant has been classified as Pathogenic. This sequence change inserts a large fragment of DNA, likely a transposable element, in exon 2 of the SGCG gene (c.174_175ins?), causing a frameshift at codon 59 (p.Lys59fs). The exact size and sequence of the insertion cannot be determined by the current assay. However, the insertion is expected to result in an absent or disrupted protein product. This variant is not present in population databases (gnomAD no frequency). This variant has not been reported in the literature in individuals affected with SGCG-related conditions.

Literature cited by the submitters: PubMed 19763152; PubMed 20307669; PubMed 22406018; PubMed 18285821.